The following is an entry in ClinVar:

ClinVar aggregate classification (germline): Uncertain significance (1 of 4 stars; one submission).

Conditions:
Hereditary cancer-predisposing syndrome. Also called: Tumor predisposition; Hereditary neoplastic syndrome; Neoplastic Syndromes, Hereditary; Hereditary Cancer Syndrome. Identifiers: Orphanet 140162, MedGen C0027672, MeSH D009386, MONDO:0015356.

Submission:

Ambry Genetics
Classification: Uncertain significance for Hereditary cancer-predisposing syndrome. Last evaluated: 2025-03-21. Review status: criteria provided, single submitter. Criteria: Ambry Variant Classification Scheme 2023. Collection method: clinical testing. Allele origin: germline.
Comment: The p.K51R variant (also known as c.152A>G), located in coding exon 4 of the BAP1 gene, results from an A to G substitution at nucleotide position 152. The lysine at codon 51 is replaced by arginine, an amino acid with highly similar properties. This alteration had inconclusive results in a high throughput genome editing haploid cell survival functional assay (Waters AJ et al. Nat Genet, 2024 Jul;56:1434-1445). This amino acid position is highly conserved in available vertebrate species. In addition, the in silico prediction for this alteration is inconclusive. Based on the available evidence, the clinical significance of this variant remains unclear.

Literature cited by the submitters: PubMed 38969833.

NM_004656.4(BAP1):c.152A>G (p.Lys51Arg)

Gene: BAP1 (BRCA1 associated deubiquitinase 1; minus strand). Cytogenetic location: 3p21.1.
Variant type: single nucleotide variant.
Coding change: c.152A>G on transcript NM_004656.4 (MANE Select); coding-DNA position 152, A replaced by G.
Protein change: p.Lys51Arg; replaces lysine 51 with arginine.
Molecular consequence: missense variant.
Genome position (GRCh38, 1-based): chr3:52,408,577, T>C on the plus strand (A>G on the coding strand, the complement: BAP1 is on the minus strand). VCF-style: chr3-52408577-T-C. GRCh37 (hg19) VCF-style: chr3-52442593-T-C.
Other names: c.152A>G, p.Lys51Arg (NM_001410772.1); short protein forms K51R.
Identifiers: ClinVar variation 3986548 (VCV003986548.1).